The following is an entry in ClinVar:

ClinVar aggregate classification (germline): Uncertain significance. Review status: criteria provided, multiple submitters, no conflicts (2 of 4 stars). 2 submissions from 2 submitters: Uncertain significance (2). Last evaluated 2023-11-18.

Conditions:
Hereditary cancer-predisposing syndrome. Also called: Hereditary neoplastic syndrome; Hereditary Cancer Syndrome; Tumor predisposition; Neoplastic Syndromes, Hereditary. Identifiers: Orphanet 140162, MedGen C0027672, MeSH D009386, MONDO:0015356.
Tumor predisposition syndrome 3 (TPDS3). Also called: Glioma susceptibility 9; LONG TELOMERE SYNDROME, POT1-RELATED; POT1 Tumor Predisposition; Melanoma, cutaneous malignant, susceptibility to, 10. Identifiers: Orphanet 618, MedGen C4014476, MONDO:0014368, OMIM 615848.

Submissions (2):

Labcorp Genetics (formerly Invitae), Labcorp
Classification: Uncertain significance for Tumor predisposition syndrome 3. Last evaluated: 2023-11-18. Review status: criteria provided, single submitter. Criteria: Invitae Variant Classification Sherloc (09022015). Collection method: clinical testing. Allele origin: germline.
Comment: This sequence change replaces valine, which is neutral and non-polar, with methionine, which is neutral and non-polar, at codon 476 of the POT1 protein (p.Val476Met). This variant is not present in population databases (gnomAD no frequency). This variant has not been reported in the literature in individuals affected with POT1-related conditions. ClinVar contains an entry for this variant (Variation ID: 2450530). Advanced modeling of protein sequence and biophysical properties (such as structural, functional, and spatial information, amino acid conservation, physicochemical variation, residue mobility, and thermodynamic stability) performed at Invitae indicates that this missense variant is not expected to disrupt POT1 protein function with a negative predictive value of 80%. In summary, the available evidence is currently insufficient to determine the role of this variant in disease. Therefore, it has been classified as a Variant of Uncertain Significance.

Ambry Genetics
Classification: Uncertain significance for Hereditary cancer-predisposing syndrome. Last evaluated: 2022-11-11. Review status: criteria provided, single submitter. Criteria: Ambry Variant Classification Scheme 2023. Collection method: clinical testing. Allele origin: germline.
Comment: The p.V476M variant (also known as c.1426G>A), located in coding exon 11 of the POT1 gene, results from a G to A substitution at nucleotide position 1426. The valine at codon 476 is replaced by methionine, an amino acid with highly similar properties. This amino acid position is conserved. In addition, the in silico prediction for this alteration is inconclusive. Since supporting evidence is limited at this time, the clinical significance of this alteration remains unclear.

NM_015450.3(POT1):c.1426G>A (p.Val476Met)

Gene: POT1 (protection of telomeres 1; minus strand). Cytogenetic location: 7q31.33.
Variant type: single nucleotide variant.
Coding change: c.1426G>A on transcript NM_015450.3 (MANE Select); coding-DNA position 1426, G replaced by A.
Protein change: p.Val476Met; replaces valine 476 with methionine.
Molecular consequence: missense variant. On other transcripts: non-coding transcript variant (3).
Genome position (GRCh38, 1-based): chr7:124,835,358, C>T on the plus strand (G>A on the coding strand, the complement: POT1 is on the minus strand). VCF-style: chr7-124835358-C-T. GRCh37 (hg19) VCF-style: chr7-124475412-C-T.
Other names: c.1033G>A, p.Val345Met (NM_001042594.2); short protein forms V345M, V476M.
Identifiers: ClinVar variation 2450530 (VCV002450530.5), dbSNP rs2116444225, ClinGen allele CA369065765.